The following is an entry in ClinVar:

NM_001142459.2(ASB10):c.812C>A (p.Ala271Asp)

Gene: ASB10 (ankyrin repeat and SOCS box containing 10; minus strand). Cytogenetic location: 7q36.1.
Variant type: single nucleotide variant.
Coding change: c.812C>A on transcript NM_001142459.2 (MANE Select); coding-DNA position 812, C replaced by A.
Protein change: p.Ala271Asp; replaces alanine 271 with aspartic acid.
Molecular consequence: missense variant.
Genome position (GRCh38, 1-based): chr7:151,181,231, G>T on the plus strand (C>A on the coding strand, the complement: ASB10 is on the minus strand). VCF-style: chr7-151181231-G-T. GRCh37 (hg19) VCF-style: chr7-150878318-G-T.
Other names: c.812C>A, p.Ala271Asp (NM_001142460.1); c.767C>A, p.Ala256Asp (NM_080871.4); short protein forms A256D, A271D.
Identifiers: ClinVar variation 3669866 (VCV003669866.2).

ClinVar aggregate classification (germline): Uncertain significance (1 of 4 stars; one submission).

Submission:

Labcorp Genetics (formerly Invitae), Labcorp
Classification: Uncertain significance. Last evaluated: 2024-08-14. Review status: criteria provided, single submitter. Criteria: Invitae Variant Classification Sherloc (09022015). Collection method: clinical testing. Allele origin: germline.
Comment: This sequence change replaces alanine, which is neutral and non-polar, with aspartic acid, which is acidic and polar, at codon 271 of the ASB10 protein (p.Ala271Asp). This variant is present in population databases (rs775514638, gnomAD 0.03%). This variant has not been reported in the literature in individuals affected with ASB10-related conditions. An algorithm developed to predict the effect of missense changes on protein structure and function (PolyPhen-2) suggests that this variant is likely to be tolerated. In summary, the available evidence is currently insufficient to determine the role of this variant in disease. Therefore, it has been classified as a Variant of Uncertain Significance.